The following is an entry in ClinVar:

ClinVar aggregate classification (germline): Likely pathogenic. Review status: criteria provided, multiple submitters, no conflicts (2 of 4 stars). 2 submissions from 2 submitters: Likely pathogenic (2). Last evaluated 2026-04-10.

Conditions:
Inborn genetic diseases. Identifiers: MedGen C0950123, MeSH D030342.
Saethre-Chotzen syndrome (SCS). Also called: ACROCEPHALY, SKULL ASYMMETRY, AND MILD SYNDACTYLY; ACS III; CHOTZEN SYNDROME. Identifiers: Orphanet 794, MedGen C0175699, MONDO:0007042, OMIM 101400.
TWIST1-related craniosynostosis (CRS1). Also called: CRANIOSYNOSTOSIS 1. Identifiers: Orphanet 63440, MedGen C4551902, MONDO:0007399, OMIM 123100. Inheritance: Heterogenous inheritance pattern.

Submissions (2):

Ambry Genetics
Classification: Likely pathogenic for Inborn genetic diseases. Last evaluated: 2026-04-10. Review status: criteria provided, single submitter. Criteria: Ambry Variant Classification Scheme 2023. Collection method: clinical testing. Allele origin: germline.
Comment: The c.455C>T (p.A152V) alteration is located in exon 1 (coding exon 1) of the TWIST1 gene. This alteration results from a C to T substitution at nucleotide position 455, causing the alanine (A) at amino acid position 152 to be replaced by a valine (V). This variant was not reported in population-based cohorts in the Genome Aggregation Database (gnomAD). This variant was reported in individual(s) with features consistent with TWIST1-related acrocephalosyndactyly disorders (Paznekas, 1998; Bukowska-Olech, 2022). Other variant(s) at the same codon, c.454G>C (p.A152P), have been identified in individual(s) with features consistent with TWIST1-related acrocephalosyndactyly disorders (Elanko, 2001; Roscioli, 2013). This amino acid position is highly conserved in available vertebrate species. This alteration is predicted to be deleterious by in silico analysis. Based on the available evidence, this alteration is classified as likely pathogenic.

Labcorp Genetics (formerly Invitae), Labcorp
Classification: Likely pathogenic for TWIST1-related craniosynostosis; Saethre-Chotzen syndrome. Last evaluated: 2022-05-24. Review status: criteria provided, single submitter. Criteria: Invitae Variant Classification Sherloc (09022015). Collection method: clinical testing. Allele origin: germline.
Comment: Algorithms developed to predict the effect of missense changes on protein structure and function (SIFT, PolyPhen-2, Align-GVGD) all suggest that this variant is likely to be disruptive. This missense change has been observed in individuals with clinical features of Saethre-Chotzen syndrome (PMID: 9585583; Invitae). This variant is not present in population databases (gnomAD no frequency). This sequence change replaces alanine, which is neutral and non-polar, with valine, which is neutral and non-polar, at codon 152 of the TWIST1 protein (p.Ala152Val). This variant disrupts the p.Ala152 amino acid residue in TWIST1. Other variant(s) that disrupt this residue have been observed in individuals with TWIST1-related conditions (PMID: 11748846, 24127277; Invitae), which suggests that this may be a clinically significant amino acid residue. In summary, the currently available evidence indicates that the variant is pathogenic, but additional data are needed to prove that conclusively. Therefore, this variant has been classified as Likely Pathogenic.

Literature cited by the submitters: PubMed 9585583 (cited by Ambry Genetics and Labcorp Genetics (formerly Invitae), Labcorp); PubMed 11748846 (cited by Ambry Genetics and Labcorp Genetics (formerly Invitae), Labcorp); PubMed 24127277 (cited by Ambry Genetics and Labcorp Genetics (formerly Invitae), Labcorp); PubMed 35591945 (cited by Ambry Genetics).

NM_000474.4(TWIST1):c.455C>T (p.Ala152Val)

Genes: TWIST1 (twist family bHLH transcription factor 1; minus strand), LOC129998021 (ATAC-STARR-seq lymphoblastoid active region 25682; plus strand). Cytogenetic location: 7p21.1.
Variant type: single nucleotide variant.
Coding change: c.455C>T on transcript NM_000474.4 (MANE Select); coding-DNA position 455, C replaced by T.
Protein change: p.Ala152Val; replaces alanine 152 with valine.
Molecular consequence: missense variant. On other transcripts: non-coding transcript variant (1).
Genome position (GRCh38, 1-based): chr7:19,116,867, G>A on the plus strand (C>T on the coding strand, the complement: TWIST1 is on the minus strand). VCF-style: chr7-19116867-G-A. GRCh37 (hg19) VCF-style: chr7-19156490-G-A.
Other names: c.455C>T (NM_000474.3); short protein forms A152V.
Identifiers: ClinVar variation 2136496 (VCV002136496.5), dbSNP rs1554441982, ClinGen allele CA367015400.
Genomic context (GRCh38, chr7:19,116,867, plus strand): 5'-ATCTTGGAGTCCAGCTCGTCGCTCTGGAGGACCTGGTAGAGGAAGTCGATGTACCTGGCC[G>A]CCAGCTTGAGGGTCTGAATCTTGCTCAGCTTGTCCGAGGGCAGCGTGGGGATGATCTTCC-3'
Protein context (NP_000465.1, residues 142-162): KLSKIQTLKL[Ala152Val]ARYIDFLYQV